The following is an entry in ClinVar:

NM_004304.5(ALK):c.3602G>A (p.Gly1201Glu)

Gene: ALK (ALK receptor tyrosine kinase; minus strand). Cytogenetic location: 2p23.2.
Variant type: single nucleotide variant.
Coding change: c.3602G>A on transcript NM_004304.5 (MANE Select); coding-DNA position 3602, G replaced by A.
Protein change: p.Gly1201Glu; replaces glycine 1201 with glutamic acid.
Molecular consequence: missense variant.
Genome position (GRCh38, 1-based): chr2:29,220,749, C>T on the plus strand (G>A on the coding strand, the complement: ALK is on the minus strand). VCF-style: chr2-29220749-C-T. GRCh37 (hg19) VCF-style: chr2-29443615-C-T.
Other names: c.398G>A, p.Gly133Glu (NM_001353765.2); short protein forms G1201E, G133E.
Identifiers: ClinVar variation 1517245 (VCV001517245.8), dbSNP rs1187025942, ClinGen allele CA346473028.

ClinVar aggregate classification (germline): Uncertain significance (1 of 4 stars; one submission).

Conditions:
Neuroblastoma, susceptibility to, 3. Also called: ALK-Related Neuroblastic Tumor Susceptibility. Identifiers: Orphanet 635, MedGen C2751681, MONDO:0013083, OMIM 613014.

Submission:

Labcorp Genetics (formerly Invitae), Labcorp
Classification: Uncertain significance for Neuroblastoma, susceptibility to, 3. Last evaluated: 2022-04-25. Review status: criteria provided, single submitter. Criteria: Invitae Variant Classification Sherloc (09022015). Collection method: clinical testing. Allele origin: germline.
Comment: This variant has not been reported in the literature in individuals affected with ALK-related conditions. This sequence change replaces glycine, which is neutral and non-polar, with glutamic acid, which is acidic and polar, at codon 1201 of the ALK protein (p.Gly1201Glu). This variant is not present in population databases (gnomAD no frequency). Algorithms developed to predict the effect of missense changes on protein structure and function (SIFT, PolyPhen-2, Align-GVGD) all suggest that this variant is likely to be disruptive. In summary, the available evidence is currently insufficient to determine the role of this variant in disease. Therefore, it has been classified as a Variant of Uncertain Significance.